The following is an entry in ClinVar:

ClinVar aggregate classification (germline): Uncertain significance (1 of 4 stars; one submission).

Submission:

Labcorp Genetics (formerly Invitae), Labcorp
Classification: Uncertain significance. Last evaluated: 2023-09-19. Review status: criteria provided, single submitter. Criteria: Invitae Variant Classification Sherloc (09022015). Collection method: clinical testing. Allele origin: germline.
Comment: In summary, the available evidence is currently insufficient to determine the role of this variant in disease. Therefore, it has been classified as a Variant of Uncertain Significance. This variant has not been reported in the literature in individuals affected with RHOBTB2-related conditions. This variant is present in population databases (rs765906319, gnomAD 0.0009%). This sequence change creates a premature translational stop signal (p.Ile264Aspfs*53) in the RHOBTB2 gene. It is expected to result in an absent or disrupted protein product. However, the current clinical and genetic evidence is not sufficient to establish whether loss-of-function variants in RHOBTB2 cause disease.

NM_015178.3(RHOBTB2):c.722dup (p.Ile242fs)

Gene: RHOBTB2 (Rho related BTB domain containing 2; plus strand). Cytogenetic location: 8p21.3.
Variant type: Duplication.
Coding change: c.722dup on transcript NM_015178.3 (MANE Select); coding-DNA position 722, one base duplicated (C; older notation c.722dupC).
Protein change: p.Ile242fs; shifts the reading frame from isoleucine 242.
Molecular consequence: frameshift variant.
Genome position (GRCh38, 1-based): chr8:23,006,967, C duplicated; the last of 5 consecutive C bases (chr8:23,006,963-23,006,967); duplicating any one gives the same sequence. VCF-style (leftmost placement, unchanged base first): chr8-23006962-G-GC. GRCh37 (hg19) VCF-style: chr8-22864475-G-GC.
Other names: c.788dup, p.Ile264fs (NM_001160036.2); c.743dup, p.Ile249fs (NM_001160037.2); c.722dup, p.Ile242fs (NM_001374791.1); short protein forms I242fs, I264fs, I249fs.
Identifiers: ClinVar variation 2759772 (VCV002759772.3), dbSNP rs765906319, ClinGen allele CA4672516.
Genomic context (GRCh38, chr8:23,006,962, plus strand): 5'-CCACCTCCGCAATGTGCAGCGGCCTCTGCTGCAGGCACCCTTCCTACCCCCCAAGCCACC[G>GC]CCCCCGATCATCGTGGTGCCCGACCCTCCCTCCAGCAGCGAGGAGTGCCCCGCCCACCTC-3'